The following is an entry in ClinVar:

NM_001283009.2(RTEL1):c.3457C>T (p.Leu1153Phe)

Genes: RTEL1 (regulator of telomere elongation helicase 1; plus strand), RTEL1-TNFRSF6B (RTEL1-TNFRSF6B readthrough (NMD candidate); plus strand). Cytogenetic location: 20q13.33.
Variant type: single nucleotide variant.
Coding change: c.3457C>T on transcript NM_001283009.2 (MANE Select); coding-DNA position 3457, C replaced by T.
Protein change: p.Leu1153Phe; replaces leucine 1153 with phenylalanine.
Molecular consequence: missense variant. On other transcripts: non-coding transcript variant (1).
Genome position (GRCh38, 1-based): chr20:63,695,179, C>T. VCF-style: chr20-63695179-C-T. GRCh37 (hg19) VCF-style: chr20-62326532-C-T.
Other names: c.2788C>T, p.Leu930Phe (NM_001283010.1); c.3457C>T, p.Leu1153Phe (NM_016434.4); c.3529C>T, p.Leu1177Phe (NM_032957.5); short protein forms L930F, L1153F, L1177F.
Identifiers: ClinVar variation 3791196 (VCV003791196.1).

ClinVar aggregate classification (germline): Uncertain significance (1 of 4 stars; one submission).

Conditions:
Inborn genetic diseases. Identifiers: MedGen C0950123, MeSH D030342.

Submission:

Ambry Genetics
Classification: Uncertain significance for Inborn genetic diseases. Last evaluated: 2025-03-03. Review status: criteria provided, single submitter. Criteria: Ambry Variant Classification Scheme 2023. Collection method: clinical testing. Allele origin: germline.
Comment: The p.L1153F variant (also known as c.3457C>T), located in coding exon 32 of the RTEL1 gene, results from a C to T substitution at nucleotide position 3457. The leucine at codon 1153 is replaced by phenylalanine, an amino acid with highly similar properties. This amino acid position is conserved. In addition, this alteration is predicted to be tolerated by in silico analysis. Based on the available evidence, the clinical significance of this variant remains unclear.